The following is an entry in ClinVar:

ClinVar aggregate classification (germline): Uncertain significance. Review status: criteria provided, single submitter (1 of 4 stars). 2 submissions from 2 submitters: Uncertain significance (1). 1 of the submissions does not count toward it. Last evaluated 2024-10-22.

Conditions:
Mitochondrial trifunctional protein deficiency. Identifiers: Orphanet 746, MedGen C1969443, MONDO:0012172.
Long chain 3-hydroxyacyl-CoA dehydrogenase deficiency. Also called: LCHAD Deficiency; Deficiency of long-chain 3-hydroxyacyl-coenzyme A dehydrogenase. Identifiers: Orphanet 5, MedGen C3711645, MONDO:0012173, OMIM 609016.

Submissions (2):

Labcorp Genetics (formerly Invitae), Labcorp
Classification: Uncertain significance for Mitochondrial trifunctional protein deficiency; Long chain 3-hydroxyacyl-CoA dehydrogenase deficiency. Last evaluated: 2024-10-22. Review status: criteria provided, single submitter. Criteria: Invitae Variant Classification Sherloc (09022015). Collection method: clinical testing. Allele origin: germline.
Comment: This sequence change replaces isoleucine, which is neutral and non-polar, with serine, which is neutral and polar, at codon 245 of the HADHA protein (p.Ile245Ser). This variant is not present in population databases (gnomAD no frequency). This variant has not been reported in the literature in individuals affected with HADHA-related conditions. ClinVar contains an entry for this variant (Variation ID: 1968356). Invitae Evidence Modeling of protein sequence and biophysical properties (such as structural, functional, and spatial information, amino acid conservation, physicochemical variation, residue mobility, and thermodynamic stability) indicates that this missense variant is not expected to disrupt HADHA protein function with a negative predictive value of 80%. In summary, the available evidence is currently insufficient to determine the role of this variant in disease. Therefore, it has been classified as a Variant of Uncertain Significance.

Natera, Inc.
Classification: Uncertain significance for Deficiency of long-chain 3-hydroxyacyl-coenzyme A dehydrogenase. Last evaluated: 2025-01-09. Review status: no assertion criteria provided. Collection method: clinical testing. Allele origin: germline. Not counted in ClinVar's aggregate classification.

NM_000182.5(HADHA):c.734T>G (p.Ile245Ser)

Gene: HADHA (hydroxyacyl-CoA dehydrogenase trifunctional multienzyme complex subunit alpha; minus strand). Cytogenetic location: 2p23.3.
Variant type: single nucleotide variant.
Coding change: c.734T>G on transcript NM_000182.5 (MANE Select); coding-DNA position 734, T replaced by G.
Protein change: p.Ile245Ser; replaces isoleucine 245 with serine.
Molecular consequence: missense variant.
Genome position (GRCh38, 1-based): chr2:26,215,118, A>C on the plus strand (T>G on the coding strand, the complement: HADHA is on the minus strand). VCF-style: chr2-26215118-A-C. GRCh37 (hg19) VCF-style: chr2-26437987-A-C.
Other names: c.734T>G (NM_000182.4); short protein forms I245S.
Identifiers: ClinVar variation 1968356 (VCV001968356.6), dbSNP rs2465561919, ClinGen allele CA346091583.